The following is an entry in ClinVar:

NM_000620.5(NOS1):c.1855A>T (p.Met619Leu)

Gene: NOS1 (nitric oxide synthase 1; minus strand). Cytogenetic location: 12q24.22.
Variant type: single nucleotide variant.
Coding change: c.1855A>T on transcript NM_000620.5 (MANE Select); coding-DNA position 1855, A replaced by T.
Protein change: p.Met619Leu; replaces methionine 619 with leucine.
Molecular consequence: missense variant.
Genome position (GRCh38, 1-based): chr12:117,268,129, T>A on the plus strand (A>T on the coding strand, the complement: NOS1 is on the minus strand). VCF-style: chr12-117268129-T-A. GRCh37 (hg19) VCF-style: chr12-117705934-T-A.
Other names: c.847A>T, p.Met283Leu (NM_001204213.2, NM_001204214.2); c.1855A>T, p.Met619Leu (NM_001204218.2); c.1855A>T (NM_001204218.1); short protein forms M283L, M619L.
Identifiers: ClinVar variation 715032 (VCV000715032.7), dbSNP rs79487279, ClinGen allele CA6815025.

ClinVar aggregate classification (germline): Conflicting classifications of pathogenicity. Review status: criteria provided, conflicting classifications (1 of 4 stars). 3 submissions from 3 submitters: Uncertain significance (1); Likely benign (1). 1 of the submissions does not count toward it. Last evaluated 2022-11-30.

Conditions:
NOS1-related disorder. Also called: NOS1-related condition.

Allele frequency attached by ClinVar (database versions not stated): 1000 Genomes Project 0.00080; 1000 Genomes Project 30x 0.00094; TOPMed 0.00151; gnomAD 0.00206 and 0.00216; gnomAD exomes 0.00223 and 0.00297; ExAC 0.00261; ESP Exome Variant Server 0.00340.
gnomAD v4.1: 4,569 of 1,613,494 alleles (0.28%); highest among the groups gnomAD compares: Non-Finnish European, 0.35%; 10 homozygotes.

Submissions (3):

Department of Pathology and Laboratory Medicine, Sinai Health System
Classification: Uncertain significance for NOS1-related disorder. Last evaluated: 2022-11-30. Review status: criteria provided, single submitter. Criteria: ACMG Guidelines, 2015. Collection method: research. Allele origin: germline.

Labcorp Genetics (formerly Invitae), Labcorp
Classification: Likely benign. Last evaluated: 2019-12-31. Review status: criteria provided, single submitter. Criteria: Invitae Variant Classification Sherloc (09022015). Collection method: clinical testing. Allele origin: germline.

PreventionGenetics, part of Exact Sciences
Classification: Likely benign for NOS1-related condition. Last evaluated: 2020-06-22. Review status: no assertion criteria provided. Collection method: clinical testing. Allele origin: germline. Not counted in ClinVar's aggregate classification.
Comment: This variant is classified as likely benign based on ACMG/AMP sequence variant interpretation guidelines (Richards et al. 2015 PMID: 25741868, with internal and published modifications).